The following is an entry in ClinVar:

ClinVar aggregate classification (germline): Conflicting classifications of pathogenicity. Review status: criteria provided, conflicting classifications (1 of 4 stars). 3 submissions from 3 submitters: Uncertain significance (1); Likely benign (2). Last evaluated 2024-10-18.

Conditions:
Primary ciliary dyskinesia. Also called: Ciliary dyskinesia. Identifiers: Orphanet 244, MedGen C0008780, MONDO:0016575, HP:0012265.

Allele frequency attached by ClinVar (database versions not stated): gnomAD exomes 0.00040; ExAC 0.00098; gnomAD 0.00443; ESP Exome Variant Server 0.00456; 1000 Genomes Project 0.00599; 1000 Genomes Project 30x 0.00703.

Submissions (3):

Blueprint Genetics
Classification: Likely benign. Last evaluated: 2024-10-18. Review status: criteria provided, single submitter. Criteria: ACMG Guidelines, 2015. Collection method: clinical testing. Allele origin: germline.

GeneDx
Classification: Likely benign. Last evaluated: 2020-07-11. Review status: criteria provided, single submitter. Criteria: GeneDx Variant Classification Process June 2021. Collection method: clinical testing. Allele origin: germline. Affected: yes.
Comment: See Variant Classification Assertion Criteria.

Ambry Genetics
Classification: Uncertain significance for Primary ciliary dyskinesia. Last evaluated: 2015-08-26. Review status: criteria provided, single submitter. Criteria: Ambry Variant Classification Scheme 2023. Collection method: clinical testing. Allele origin: germline.
Comment: Based on insufficient or conflicting evidence, the clinical significance of this alteration remains unclear.

NM_001010892.3(RSPH4A):c.-12_-11insCCA

Genes: RSPH4A (radial spoke head component 4A; plus strand), LOC129997051 (ATAC-STARR-seq lymphoblastoid active region 24997; plus strand). Cytogenetic location: 6q22.1.
Variant type: Insertion.
Coding change: c.-12_-11insCCA on transcript NM_001010892.3 (MANE Select); 12 bases upstream of the start codon through 11 bases upstream of the start codon, CCA inserted.
Molecular consequence: 5 prime UTR variant.
Genome position: GRCh38 VCF-style: chr6-116616612-T-TCCA. GRCh37 (hg19) VCF-style: chr6-116937775-T-TCCA.
Other names: c.-12_-11insCCA (NM_001161664.2, NM_001010892.2).
Identifiers: ClinVar variation 1706779 (VCV001706779.4), dbSNP rs576610212, ClinGen allele CA3970683.